The following is an entry in ClinVar:

ClinVar aggregate classification (germline): Uncertain significance (1 of 4 stars; one submission).

Conditions:
Cardiovascular phenotype. Identifiers: MedGen CN230736.

Allele frequency attached by ClinVar (database versions not stated): gnomAD 0.00001; gnomAD exomes 0.00001; TOPMed 0.00001.
gnomAD v4.1: 13 of 1,612,836 alleles (0.00081%); highest among the groups gnomAD compares: Non-Finnish European, 0.0011%; no homozygotes.

Submission:

Ambry Genetics
Classification: Uncertain significance for Cardiovascular phenotype. Last evaluated: 2023-02-23. Review status: criteria provided, single submitter. Criteria: Ambry Variant Classification Scheme 2023. Collection method: clinical testing. Allele origin: germline.
Comment: The p.E983K variant (also known as c.2947G>A), located in coding exon 16 of the SCN10A gene, results from a G to A substitution at nucleotide position 2947. The glutamic acid at codon 983 is replaced by lysine, an amino acid with similar properties. This amino acid position is conserved. In addition, this alteration is predicted to be tolerated by in silico analysis. Since supporting evidence is limited at this time, the clinical significance of this alteration remains unclear.

NM_006514.4(SCN10A):c.2947G>A (p.Glu983Lys)

Genes: SCN10A (sodium voltage-gated channel alpha subunit 10; minus strand), LOC110121288 (VISTA enhancer hs2268; plus strand). Cytogenetic location: 3p22.2.
Variant type: single nucleotide variant.
Coding change: c.2947G>A on transcript NM_006514.4 (MANE Select); coding-DNA position 2947, G replaced by A.
Protein change: p.Glu983Lys; replaces glutamic acid 983 with lysine.
Molecular consequence: missense variant.
Genome position (GRCh38, 1-based): chr3:38,726,746, C>T on the plus strand (G>A on the coding strand, the complement: SCN10A is on the minus strand). VCF-style: chr3-38726746-C-T. GRCh37 (hg19) VCF-style: chr3-38768237-C-T.
Other names: c.2947G>A, p.Glu983Lys (NM_001293306.2); c.2653G>A, p.Glu885Lys (NM_001293307.2); short protein forms E983K, E885K.
Identifiers: ClinVar variation 2448859 (VCV002448859.2), dbSNP rs1266734033, ClinGen allele CA352157658.